The following is an entry in ClinVar:

ClinVar aggregate classification (germline): Pathogenic (1 of 4 stars; one submission).

Conditions:
Deficiency of alpha-mannosidase (MANSA). Also called: LYSOSOMAL ALPHA-D-MANNOSIDASE DEFICIENCY; Alpha-Mannosidosis; Mannosidosis, alpha-, types I and II. Identifiers: Orphanet 61, MedGen C0024748, MONDO:0009561, OMIM 248500.

Submission:

Myriad Genetics, Inc.
Classification: Pathogenic for Deficiency of alpha-mannosidase. Last evaluated: 2023-09-27. Review status: criteria provided, single submitter. Criteria: Myriad Autosomal Dominant, Autosomal Recessive and X-Linked Classification Criteria (2023). Collection method: clinical testing. Allele origin: unknown.
Comment: NM_000528.3(MAN2B1):c.1205dupA(R403Afs*36) is expected to be pathogenic in the context of alpha-mannosidosis. This variant is predicted to lead to an abnormal or absent protein product due to the creation of a premature termination codon in MAN2B1, a gene where loss-of-function variants are known to be pathogenic. Please note: this variant was assessed in the context of healthy population screening.

NM_000528.4(MAN2B1):c.1205dup (p.Arg403fs)

Gene: MAN2B1 (mannosidase alpha class 2B member 1; minus strand). Cytogenetic location: 19p13.13.
Variant type: Duplication.
Coding change: c.1205dup on transcript NM_000528.4 (MANE Select); coding-DNA position 1205, one base duplicated (A; older notation c.1205dupA).
Protein change: p.Arg403fs; shifts the reading frame from arginine 403.
Molecular consequence: frameshift variant.
Genome position (GRCh38, 1-based): chr19:12,658,249, T duplicated on the plus strand (A on the coding strand, the reverse complement: MAN2B1 is on the minus strand). VCF-style (leftmost placement, unchanged base first): chr19-12658248-C-CT. GRCh37 (hg19) VCF-style: chr19-12769062-C-CT.
Other names: c.1202dup, p.Arg402fs (NM_001173498.2); c.1208dup, p.Arg404fs (NM_001440570.1); short protein forms R402fs, R403fs, R404fs.
Identifiers: ClinVar variation 5012041 (VCV005012041.1).